The following is an entry in ClinVar:

NM_000090.4(COL3A1):c.2302G>C (p.Gly768Arg)

Gene: COL3A1 (collagen type III alpha 1 chain; plus strand). Cytogenetic location: 2q32.2.
Variant type: single nucleotide variant.
Coding change: c.2302G>C on transcript NM_000090.4 (MANE Select); coding-DNA position 2302, G replaced by C.
Protein change: p.Gly768Arg; replaces glycine 768 with arginine.
Molecular consequence: missense variant.
Genome position (GRCh38, 1-based): chr2:189,001,415, G>C. VCF-style: chr2-189001415-G-C. GRCh37 (hg19) VCF-style: chr2-189866141-G-C.
Other names: short protein forms G768R.
Identifiers: ClinVar variation 2747389 (VCV002747389.3), dbSNP rs2469147656, ClinGen allele CA349842374.

ClinVar aggregate classification (germline): Likely pathogenic (1 of 4 stars; one submission).

Conditions:
Ehlers-Danlos syndrome, type 4 (EDSVASC). Also called: Ehlers-Danlos Syndrome Type IV; Ehlers-Danlos syndrome vascular type; Ehlers Danlos syndrome, ecchymotic type; Ehlers Danlos syndrome, arterial type; Ehlers Danlos syndrome, Sack-Barabas type. Identifiers: Orphanet 286, MedGen C0268338, MONDO:0017314, OMIM 130050.

Submission:

Labcorp Genetics (formerly Invitae), Labcorp
Classification: Likely pathogenic for Ehlers-Danlos syndrome, type 4. Last evaluated: 2024-04-05. Review status: criteria provided, single submitter. Criteria: Invitae Variant Classification Sherloc (09022015). Collection method: clinical testing. Allele origin: germline.
Comment: This sequence change replaces glycine, which is neutral and non-polar, with arginine, which is basic and polar, at codon 768 of the COL3A1 protein (p.Gly768Arg). This variant is not present in population databases (gnomAD no frequency). This missense change has been observed in individual(s) with clinical features of COL3A1-related conditions (external communication). Advanced modeling of protein sequence and biophysical properties (such as structural, functional, and spatial information, amino acid conservation, physicochemical variation, residue mobility, and thermodynamic stability) performed at Invitae indicates that this missense variant is expected to disrupt COL3A1 protein function with a positive predictive value of 95%. This variant disrupts the triple helix domain of COL3A1. Glycine residues within the Gly-Xaa-Yaa repeats of the triple helix domain are required for the structure and stability of fibrillar collagens (PMID: 7695699, 8218237, 19344236). In COL3A1, variants that affect these glycine residues are significantly enriched in individuals with disease (PMID: 24922459, 25758994) compared to the general population (ExAC). This variant disrupts the p.Gly768 amino acid residue in COL3A1. Other variant(s) that disrupt this residue have been observed in individuals with COL3A1-related conditions (PMID: 31600821; external communication), which suggests that this may be a clinically significant amino acid residue. In summary, the currently available evidence indicates that the variant is pathogenic, but additional data are needed to prove that conclusively. Therefore, this variant has been classified as Likely Pathogenic.

Literature cited by the submitters: PubMed 7695699; PubMed 8218237; PubMed 19344236; PubMed 24922459; PubMed 25758994; PubMed 31600821.